The following is an entry in ClinVar:

NM_000051.4(ATM):c.2978A>T (p.His993Leu)

Gene: ATM (ATM serine/threonine kinase; plus strand). Cytogenetic location: 11q22.3.
Variant type: single nucleotide variant.
Coding change: c.2978A>T on transcript NM_000051.4 (MANE Select); coding-DNA position 2978, A replaced by T.
Protein change: p.His993Leu; replaces histidine 993 with leucine.
Molecular consequence: missense variant.
Genome position (GRCh38, 1-based): chr11:108,271,307, A>T. VCF-style: chr11-108271307-A-T. GRCh37 (hg19) VCF-style: chr11-108142034-A-T.
Other names: c.2978A>T, p.His993Leu (NM_001351834.2); short protein forms H993L.
Identifiers: ClinVar variation 453442 (VCV000453442.7), dbSNP rs878853498, ClinGen allele CA382547304.

ClinVar aggregate classification (germline): Uncertain significance (1 of 4 stars; one submission).

Conditions:
Ataxia-telangiectasia syndrome (AT). Also called: Cerebello-oculocutaneous telangiectasia; Immunodeficiency with ataxia telangiectasia; Ataxia-telangiectasia, complementation group D; AT, COMPLEMENTATION GROUP C; Ataxia-telangiectasia, complementation group E; LOUIS-BAR SYNDROME. Identifiers: Orphanet 100, MedGen C0004135, MONDO:0008840, OMIM 208900.

Submission:

Labcorp Genetics (formerly Invitae), Labcorp
Classification: Uncertain significance for Ataxia-telangiectasia syndrome. Last evaluated: 2017-05-30. Review status: criteria provided, single submitter. Criteria: Invitae Variant Classification Sherloc (09022015). Collection method: clinical testing. Allele origin: germline.
Comment: This sequence change replaces histidine with leucine at codon 993 of the ATM protein (p.His993Leu). The histidine residue is weakly conserved and there is a moderate physicochemical difference between histidine and leucine. This variant is not present in population databases (ExAC no frequency). This variant has not been reported in the literature in individuals with a ATM-related disease. Algorithms developed to predict the effect of missense changes on protein structure and function (SIFT, PolyPhen-2, Align-GVGD) all suggest that this variant is likely to be tolerated, but these predictions have not been confirmed by published functional studies and their clinical significance is uncertain. In summary, this variant has uncertain impact on ATM function. The available evidence is currently insufficient to determine its role in disease. Therefore, it has been classified as a Variant of Uncertain Significance.